The following is an entry in ClinVar:

ClinVar aggregate classification (germline): Uncertain significance. Review status: criteria provided, multiple submitters, no conflicts (2 of 4 stars). 2 submissions from 2 submitters: Uncertain significance (2). Last evaluated 2025-09-26.

Conditions:
TBX3-related disorder. Also called: TBX3-related condition.
Inborn genetic diseases. Identifiers: MedGen C0950123, MeSH D030342.

gnomAD v4.1: 2 of 1,551,700 alleles (0.00013%); highest among the groups gnomAD compares: African/African-American, 0.0014%; no homozygotes.

Submissions (2):

Ambry Genetics
Classification: Uncertain significance for Inborn genetic diseases. Last evaluated: 2025-09-26. Review status: criteria provided, single submitter. Criteria: Ambry Variant Classification Scheme 2023. Collection method: clinical testing. Allele origin: germline.

PreventionGenetics, part of Exact Sciences
Classification: Uncertain significance for TBX3-related condition. Last evaluated: 2024-10-16. Review status: criteria provided, single submitter. Criteria: ACMG Guidelines, 2015. Collection method: clinical testing. Allele origin: germline.
Comment: The TBX3 c.1538T>G variant is predicted to result in the amino acid substitution p.Phe513Cys. To our knowledge, this variant has not been reported in the literature or in a large population database (gnomAD), indicating this variant is rare. At this time, the clinical significance of this variant is uncertain due to the absence of conclusive functional and genetic evidence.

NM_005996.4(TBX3):c.1478T>G (p.Phe493Cys)

Gene: TBX3 (T-box transcription factor 3; minus strand). Cytogenetic location: 12q24.21.
Variant type: single nucleotide variant.
Coding change: c.1478T>G on transcript NM_005996.4 (MANE Select); coding-DNA position 1478, T replaced by G.
Protein change: p.Phe493Cys; replaces phenylalanine 493 with cysteine.
Molecular consequence: missense variant.
Genome position (GRCh38, 1-based): chr12:114,674,397, A>C on the plus strand (T>G on the coding strand, the complement: TBX3 is on the minus strand). VCF-style: chr12-114674397-A-C. GRCh37 (hg19) VCF-style: chr12-115112202-A-C.
Other names: c.1538T>G, p.Phe513Cys (NM_016569.4); c.1538T>G (NM_016569.3); short protein forms F493C, F513C.
Identifiers: ClinVar variation 4632801 (VCV004632801.2).